The following is an entry in ClinVar:

NM_000321.3(RB1):c.1219T>C (p.Cys407Arg)

Gene: RB1 (RB transcriptional corepressor 1; plus strand). Cytogenetic location: 13q14.2.
Variant type: single nucleotide variant.
Coding change: c.1219T>C on transcript NM_000321.3 (MANE Select); coding-DNA position 1219, T replaced by C.
Protein change: p.Cys407Arg; replaces cysteine 407 with arginine.
Molecular consequence: missense variant.
Genome position (GRCh38, 1-based): chr13:48,376,921, T>C. VCF-style: chr13-48376921-T-C. GRCh37 (hg19) VCF-style: chr13-48951057-T-C.
Other names: c.1219T>C, p.Cys407Arg (NM_001407165.1, NM_001407166.1); short protein forms C407R.
Identifiers: ClinVar variation 2760770 (VCV002760770.3), dbSNP rs2138136171, ClinGen allele CA388161935.

ClinVar aggregate classification (germline): Uncertain significance (1 of 4 stars; one submission).

Conditions:
Retinoblastoma (RB1). Also called: RETINOBLASTOMA, SOMATIC. Identifiers: Orphanet 790, MedGen C0035335, MeSH D012175, MONDO:0008380, OMIM 180200, HP:0009919. Disease mechanism: loss of function. Inheritance: Both sporadic and heritable forms are tested..

Submission:

Labcorp Genetics (formerly Invitae), Labcorp
Classification: Uncertain significance for Retinoblastoma. Last evaluated: 2023-11-02. Review status: criteria provided, single submitter. Criteria: Invitae Variant Classification Sherloc (09022015). Collection method: clinical testing. Allele origin: germline.
Comment: This sequence change replaces cysteine, which is neutral and slightly polar, with arginine, which is basic and polar, at codon 407 of the RB1 protein (p.Cys407Arg). This variant is not present in population databases (gnomAD no frequency). This variant has not been reported in the literature in individuals affected with RB1-related conditions. Advanced modeling of protein sequence and biophysical properties (such as structural, functional, and spatial information, amino acid conservation, physicochemical variation, residue mobility, and thermodynamic stability) performed at Invitae indicates that this missense variant is expected to disrupt RB1 protein function with a positive predictive value of 80%. In summary, the available evidence is currently insufficient to determine the role of this variant in disease. Therefore, it has been classified as a Variant of Uncertain Significance.